The following is an entry in ClinVar:

ClinVar aggregate classification (germline): Uncertain significance (1 of 4 stars; one submission).

Allele frequency attached by ClinVar (database versions not stated): gnomAD exomes below 0.00001.
gnomAD v4.1: 1 of 1,567,308 alleles (0.000064%); highest among the groups gnomAD compares: Admixed American, 0.0018%; no homozygotes.

Submission:

Labcorp Genetics (formerly Invitae), Labcorp
Classification: Uncertain significance. Last evaluated: 2022-08-25. Review status: criteria provided, single submitter. Criteria: Invitae Variant Classification Sherloc (09022015). Collection method: clinical testing. Allele origin: germline.
Comment: This variant has not been reported in the literature in individuals affected with SLC1A2-related conditions. This sequence change replaces threonine, which is neutral and polar, with serine, which is neutral and polar, at codon 4 of the SLC1A2 protein (p.Thr4Ser). This variant is present in population databases (no rsID available, gnomAD 0.004%). Algorithms developed to predict the effect of missense changes on protein structure and function output the following: SIFT: "Tolerated"; PolyPhen-2: "Benign"; Align-GVGD: "Class C0". The serine amino acid residue is found in multiple mammalian species, which suggests that this missense change does not adversely affect protein function. In summary, the available evidence is currently insufficient to determine the role of this variant in disease. Therefore, it has been classified as a Variant of Uncertain Significance.

NM_004171.4(SLC1A2):c.10A>T (p.Thr4Ser)

Gene: SLC1A2 (solute carrier family 1 member 2; minus strand). Cytogenetic location: 11p13.
Variant type: single nucleotide variant.
Coding change: c.10A>T on transcript NM_004171.4 (MANE Select); coding-DNA position 10, A replaced by T.
Protein change: p.Thr4Ser; replaces threonine 4 with serine.
Molecular consequence: missense variant. On other transcripts: intron variant (2).
Genome position (GRCh38, 1-based): chr11:35,418,957, T>A on the plus strand (A>T on the coding strand, the complement: SLC1A2 is on the minus strand). VCF-style: chr11-35418957-T-A. GRCh37 (hg19) VCF-style: chr11-35440504-T-A.
Other names: c.-130+979A>T (NM_001195728.3); c.-167+951A>T (NM_001252652.2); short protein forms T4S.
Identifiers: ClinVar variation 1717995 (VCV001717995.5), dbSNP rs1216804238, ClinGen allele CA380127223.
Genomic context (GRCh38, chr11:35,418,957, plus strand): 5'-CCACCCCGCGCGTGACCCCGCTTTCCCGCGGGTACAGATAAAAATCCCCTCACCCTTCCG[T>A]AGATGCCATGGTCTGGGGAACGCCCCCTCCTCTTCAGCACTATCCGGCAGCTGTGGGCGA-3'
Protein context (NP_004162.2, residues 1-14): MAS[Thr4Ser]EGANNMPKQV